The following is an entry in ClinVar:

NM_002076.4(GNS):c.538A>T (p.Lys180Ter)

Gene: GNS (glucosamine (N-acetyl)-6-sulfatase; minus strand). Cytogenetic location: 12q14.3.
Variant type: single nucleotide variant.
Coding change: c.538A>T on transcript NM_002076.4 (MANE Select); coding-DNA position 538, A replaced by T.
Protein change: p.Lys180Ter; replaces lysine 180 with a stop codon.
Molecular consequence: nonsense.
Genome position (GRCh38, 1-based): chr12:64,744,895, T>A on the plus strand (A>T on the coding strand, the complement: GNS is on the minus strand). VCF-style: chr12-64744895-T-A. GRCh37 (hg19) VCF-style: chr12-65138675-T-A.
Other names: short protein forms K180*.
Identifiers: ClinVar variation 1073389 (VCV001073389.7), dbSNP rs2136248422, ClinGen allele CA385609604.

ClinVar aggregate classification (germline): Pathogenic (1 of 4 stars; one submission).

Conditions:
Mucopolysaccharidosis, MPS-III-D (MPS3D). Also called: MPS III D; Mucopoly-saccharidosis type 3D; N-acetylglucosamine-6-sulfate sulfatase deficiency; MPS 3D; N-ACETYLGLUCOSAMINE-6-SULFATASE DEFICIENCY; SANFILIPPO SYNDROME D. Identifiers: Orphanet 581, Orphanet 79272, MedGen C0086650, MONDO:0009658, OMIM 252940.

Submission:

Labcorp Genetics (formerly Invitae), Labcorp
Classification: Pathogenic for Mucopolysaccharidosis, MPS-III-D. Last evaluated: 2022-02-02. Review status: criteria provided, single submitter. Criteria: Invitae Variant Classification Sherloc (09022015). Collection method: clinical testing. Allele origin: germline.
Comment: For these reasons, this variant has been classified as Pathogenic. ClinVar contains an entry for this variant (Variation ID: 1073389). This variant has not been reported in the literature in individuals affected with GNS-related conditions. This variant is not present in population databases (gnomAD no frequency). This sequence change creates a premature translational stop signal (p.Lys180*) in the GNS gene. It is expected to result in an absent or disrupted protein product. Loss-of-function variants in GNS are known to be pathogenic (PMID: 20232353).

Literature cited by the submitters: PubMed 20232353.